The following is an entry in ClinVar:

NM_000038.6(APC):c.5267_5268delinsTG (p.Ser1756Leu)

Gene: APC (APC regulator of Wnt signaling pathway; plus strand). Cytogenetic location: 5q22.2.
Variant type: Indel.
Coding change: c.5267_5268delinsTG on transcript NM_000038.6 (MANE Select); coding-DNA positions 5267 to 5268, CT replaced by TG.
Protein change: p.Ser1756Leu; replaces serine 1756 with leucine.
Molecular consequence: missense variant.
Genome position (GRCh38, 1-based): chr5:112,840,861-112,840,862, CT replaced by TG. VCF-style: chr5-112840861-CT-TG. GRCh37 (hg19) VCF-style: chr5-112176558-CT-TG.
Other names: c.5267_5268delinsTG, p.Ser1756Leu (NM_001127510.3, NM_001354895.2); c.5213_5214delinsTG, p.Ser1738Leu (NM_001127511.3); c.5321_5322delinsTG, p.Ser1774Leu (NM_001354896.2); c.5297_5298delinsTG, p.Ser1766Leu (NM_001354897.2); c.5192_5193delinsTG, p.Ser1731Leu (NM_001354898.2); c.5183_5184delinsTG, p.Ser1728Leu (NM_001354899.2); c.5144_5145delinsTG, p.Ser1715Leu (NM_001354900.2); c.5090_5091delinsTG, p.Ser1697Leu (NM_001354901.2); and 5 more; short protein forms S1596L, S1630L, S1731L, S1738L, S1756L, S1715L, S1728L, S1774L.
Identifiers: ClinVar variation 1513985 (VCV001513985.11), dbSNP rs2149936166, ClinGen allele CA2573138674.

ClinVar aggregate classification (germline): Uncertain significance. Review status: criteria provided, multiple submitters, no conflicts (2 of 4 stars). 3 submissions from 3 submitters: Uncertain significance (3). Last evaluated 2026-01-26.

Conditions:
Hereditary cancer-predisposing syndrome. Also called: Tumor predisposition; Neoplastic Syndromes, Hereditary; Hereditary neoplastic syndrome; Hereditary Cancer Syndrome. Identifiers: Orphanet 140162, MedGen C0027672, MeSH D009386, MONDO:0015356.
Familial adenomatous polyposis 1 (FAP1). Also called: FAMILIAL ADENOMATOUS POLYPOSIS 1, ATTENUATED; POLYPOSIS, ADENOMATOUS INTESTINAL. Identifiers: MedGen C2713442, MONDO:0021056, OMIM 175100. Disease mechanism: loss of function.

Submissions (3):

Labcorp Genetics (formerly Invitae), Labcorp
Classification: Uncertain significance for Familial adenomatous polyposis 1. Last evaluated: 2026-01-26. Review status: criteria provided, single submitter. Criteria: Invitae Variant Classification Sherloc (09022015). Collection method: clinical testing. Allele origin: germline.
Comment: This sequence change replaces serine, which is neutral and polar, with leucine, which is neutral and non-polar, at codon 1756 of the APC protein (p.Ser1756Leu). The frequency data for this variant in the population databases is considered unreliable, as metrics indicate poor data quality at this position in the gnomAD database. This variant has not been reported in the literature in individuals affected with APC-related conditions. ClinVar contains an entry for this variant (Variation ID: 1513985). An algorithm developed to predict the effect of missense changes on protein structure and function (PolyPhen-2) suggests that this variant is likely to be tolerated. In summary, the available evidence is currently insufficient to determine the role of this variant in disease. Therefore, it has been classified as a Variant of Uncertain Significance.

Ambry Genetics
Classification: Uncertain significance for Hereditary cancer-predisposing syndrome. Last evaluated: 2025-03-20. Review status: criteria provided, single submitter. Criteria: Ambry Variant Classification Scheme 2023. Collection method: clinical testing. Allele origin: germline.
Comment: The c.5267_5268delCTinsTG variant (also known as p.S1756L), located in coding exon 15 of the APC gene, results from an in-frame deletion of CT and insertion of TG at nucleotide positions 5267 to 5268. This results in the substitution of the serine residue for a leucine residue at codon 1756, an amino acid with dissimilar properties. This amino acid position is not well conserved in available vertebrate species. In addition, this alteration is predicted to be neutral by in silico analysis (Choi Y et al. PLoS ONE. 2012; 7(10):e46688). Since supporting evidence is limited at this time, the clinical significance of this alteration remains unclear.

Color Diagnostics, LLC DBA Color Health
Classification: Uncertain significance for Hereditary cancer-predisposing syndrome. Last evaluated: 2023-03-07. Review status: criteria provided, single submitter. Criteria: ACMG Guidelines, 2015. Collection method: clinical testing. Allele origin: germline.
Comment: This missense variant replaces serine with leucine at codon 1756 of the APC protein. To our knowledge, functional studies have not been reported for this variant. This variant has not been reported in individuals affected with APC-related disorders in the literature. This variant has not been identified in the general population by the Genome Aggregation Database (gnomAD). The available evidence is insufficient to determine the role of this variant in disease conclusively. Therefore, this variant is classified as a Variant of Uncertain Significance.